The following is an entry in ClinVar:

NC_000016.10:g.67660423C>G

Genes: ACD (ACD shelterin complex subunit and telomerase recruitment factor; minus strand), LOC130059224 (ATAC-STARR-seq lymphoblastoid silent region 7617; plus strand). Cytogenetic location: 16q22.1.
Variant type: single nucleotide variant.
Genome position: GRCh38 VCF-style: chr16-67660423-C-G. GRCh37 (hg19) VCF-style: chr16-67694326-C-G.
Other names: short protein forms R19P.
Identifiers: ClinVar variation 2602978 (VCV002602978.4), dbSNP rs1056634239, ClinGen allele CA283218965.

ClinVar aggregate classification (germline): Uncertain significance. Review status: criteria provided, multiple submitters, no conflicts (2 of 4 stars). 2 submissions from 2 submitters: Uncertain significance (2). Last evaluated 2024-05-01.

Conditions:
Dyskeratosis congenita, autosomal dominant 6 (DKCA6). Identifiers: Orphanet 3322, MedGen C4225284, MONDO:0014690, OMIM 616553.
Inborn genetic diseases. Identifiers: MedGen C0950123, MeSH D030342.

Submissions (2):

Labcorp Genetics (formerly Invitae), Labcorp
Classification: Uncertain significance for Dyskeratosis congenita, autosomal dominant 6. Last evaluated: 2024-05-01. Review status: criteria provided, single submitter. Criteria: Invitae Variant Classification Sherloc (09022015). Collection method: clinical testing. Allele origin: germline.
Comment: This sequence change replaces arginine, which is basic and polar, with proline, which is neutral and non-polar, at codon 19 of the ACD protein (p.Arg19Pro). This variant is not present in population databases (gnomAD no frequency). This variant has not been reported in the literature in individuals affected with ACD-related conditions. ClinVar contains an entry for this variant (Variation ID: 2602978). An algorithm developed to predict the effect of missense changes on protein structure and function (PolyPhen-2) suggests that this variant is likely to be disruptive. In summary, the available evidence is currently insufficient to determine the role of this variant in disease. Therefore, it has been classified as a Variant of Uncertain Significance.

Ambry Genetics
Classification: Uncertain significance for Inborn genetic diseases. Last evaluated: 2023-08-28. Review status: criteria provided, single submitter. Criteria: Ambry Variant Classification Scheme 2023. Collection method: clinical testing. Allele origin: germline.
Comment: The p.R19P variant (also known as c.56G>C), located in coding exon 1 of the ACD gene, results from a G to C substitution at nucleotide position 56. The arginine at codon 19 is replaced by proline, an amino acid with dissimilar properties. This amino acid position is conserved. In addition, this alteration is predicted to be tolerated by in silico analysis. Since supporting evidence is limited at this time, the clinical significance of this alteration remains unclear.